The following is an entry in ClinVar:

ClinVar aggregate classification (germline): Likely benign. Review status: criteria provided, multiple submitters, no conflicts (2 of 4 stars). 2 submissions from 2 submitters: Likely benign (2). Last evaluated 2025-08-20.

Conditions:
Breast-ovarian cancer, familial, susceptibility to, 3. Also called: RAD51C-Related Breast/Ovarian Cancer. Identifiers: Orphanet 145, MedGen C3150659, MONDO:0013253, OMIM 613399.
Fanconi anemia complementation group O. Also called: RAD51C-Related Fanconi Anemia. Identifiers: Orphanet 84, MedGen C3150653, MONDO:0013248, OMIM 613390.

Submissions (2):

Labcorp Genetics (formerly Invitae), Labcorp
Classification: Likely benign for Fanconi anemia complementation group O. Last evaluated: 2025-08-20. Review status: criteria provided, single submitter. Criteria: Invitae Variant Classification Sherloc (09022015). Collection method: clinical testing. Allele origin: germline.

Myriad Genetics, Inc.
Classification: Likely benign for Breast-ovarian cancer, familial, susceptibility to, 3. Last evaluated: 2025-02-19. Review status: criteria provided, single submitter. Criteria: Myriad Autosomal Dominant, Autosomal Recessive and X-Linked Classification Criteria (2023). Collection method: clinical testing. Allele origin: unknown.
Comment: This variant is considered likely benign. This variant is intronic and is not expected to impact mRNA splicing.

NM_058216.3(RAD51C):c.1027-18A>G

Gene: RAD51C (RAD51 paralog C; plus strand). Cytogenetic location: 17q22.
Variant type: single nucleotide variant.
Coding change: c.1027-18A>G on transcript NM_058216.3 (MANE Select); 18 bases into the intron before coding-DNA position 1027, A replaced by G.
Molecular consequence: intron variant.
Genome position (GRCh38, 1-based): chr17:58,734,100, A>G. VCF-style: chr17-58734100-A-G. GRCh37 (hg19) VCF-style: chr17-56811461-A-G.
Identifiers: ClinVar variation 3903879 (VCV003903879.2).
Genomic context (GRCh38, chr17:58,734,100, plus strand): 5'-AGTTACTTAAAAATATTTCTAAGATCAGTCTTCAAATGTTCTTAAAGCATATTTGTATAT[A>G]TATTTTTTATCTTTCAGCCTCAGGGATTTAGAGATACTGTTGTTACTTCTGCATGTTCAT-3'